The following is an entry in ClinVar:

NM_002439.5(MSH3):c.2158C>T (p.Gln720Ter)

Gene: MSH3 (mutS homolog 3; plus strand). Cytogenetic location: 5q14.1.
Variant type: single nucleotide variant.
Coding change: c.2158C>T on transcript NM_002439.5 (MANE Select); coding-DNA position 2158, C replaced by T.
Protein change: p.Gln720Ter; replaces glutamine 720 with a stop codon.
Molecular consequence: nonsense.
Genome position (GRCh38, 1-based): chr5:80,768,908, C>T. VCF-style: chr5-80768908-C-T. GRCh37 (hg19) VCF-style: chr5-80064727-C-T.
Other names: short protein forms Q720*.
Identifiers: ClinVar variation 2031133 (VCV002031133.4), dbSNP rs2546774251, ClinGen allele CA360279444.

ClinVar aggregate classification (germline): Pathogenic (1 of 4 stars; one submission).

Submission:

Labcorp Genetics (formerly Invitae), Labcorp
Classification: Pathogenic. Last evaluated: 2024-06-24. Review status: criteria provided, single submitter. Criteria: Invitae Variant Classification Sherloc (09022015). Collection method: clinical testing. Allele origin: germline.
Comment: This sequence change creates a premature translational stop signal (p.Gln720*) in the MSH3 gene. It is expected to result in an absent or disrupted protein product. Loss-of-function variants in MSH3 are known to be pathogenic (PMID: 27476653, 37402566). This variant is not present in population databases (gnomAD no frequency). This variant has not been reported in the literature in individuals affected with MSH3-related conditions. ClinVar contains an entry for this variant (Variation ID: 2031133). Algorithms developed to predict the effect of sequence changes on RNA splicing suggest that this variant may disrupt the consensus splice site. For these reasons, this variant has been classified as Pathogenic.

Literature cited by the submitters: PubMed 27476653; PubMed 37402566.